The following is an entry in ClinVar:

ClinVar aggregate classification (germline): Uncertain significance (1 of 4 stars; one submission).

gnomAD v4.1: 2 of 1,613,296 alleles (0.00012%); highest among the groups gnomAD compares: African/African-American, 0.0013%; no homozygotes.

Submission:

Labcorp Genetics (formerly Invitae), Labcorp
Classification: Uncertain significance. Last evaluated: 2024-08-02. Review status: criteria provided, single submitter. Criteria: Invitae Variant Classification Sherloc (09022015). Collection method: clinical testing. Allele origin: germline.
Comment: This sequence change replaces alanine, which is neutral and non-polar, with serine, which is neutral and polar, at codon 628 of the ANK3 protein (p.Ala628Ser). This variant is not present in population databases (gnomAD no frequency). This variant has not been reported in the literature in individuals affected with ANK3-related conditions. Advanced modeling of protein sequence and biophysical properties (such as structural, functional, and spatial information, amino acid conservation, physicochemical variation, residue mobility, and thermodynamic stability) performed at Invitae indicates that this missense variant is not expected to disrupt ANK3 protein function with a negative predictive value of 80%. In summary, the available evidence is currently insufficient to determine the role of this variant in disease. Therefore, it has been classified as a Variant of Uncertain Significance.

NM_020987.5(ANK3):c.1882G>T (p.Ala628Ser)

Gene: ANK3 (ankyrin 3; minus strand). Cytogenetic location: 10q21.2.
Variant type: single nucleotide variant.
Coding change: c.1882G>T on transcript NM_020987.5 (MANE Select); coding-DNA position 1882, G replaced by T.
Protein change: p.Ala628Ser; replaces alanine 628 with serine.
Molecular consequence: missense variant.
Genome position (GRCh38, 1-based): chr10:60,196,150, C>A on the plus strand (G>T on the coding strand, the complement: ANK3 is on the minus strand). VCF-style: chr10-60196150-C-A. GRCh37 (hg19) VCF-style: chr10-61955908-C-A.
Other names: c.1864G>T, p.Ala622Ser (NM_001204403.2); c.1831G>T, p.Ala611Ser (NM_001204404.2); c.1882G>T, p.Ala628Ser (NM_001320874.2); short protein forms A611S, A622S, A628S.
Identifiers: ClinVar variation 3618609 (VCV003618609.2).